The following is an entry in ClinVar:

ClinVar aggregate classification (germline): Pathogenic/Likely pathogenic. Review status: criteria provided, multiple submitters, no conflicts (2 of 4 stars). 6 submissions from 6 submitters: Pathogenic (1); Likely pathogenic (5). Last evaluated 2026-03-10.

Conditions:
Medium-chain acyl-coenzyme A dehydrogenase deficiency (ACADMD). Also called: MCADD; Medium chain acyl-CoA dehydrogenase deficiency; MCAD Deficiency; CARNITINE DEFICIENCY SECONDARY TO MEDIUM-CHAIN ACYL-CoA DEHYDROGENASE DEFICIENCY; MCADH DEFICIENCY; ACADM DEFICIENCY. Identifiers: Orphanet 42, MedGen C0220710, MONDO:0008721, OMIM 201450.

Allele frequency attached by ClinVar (database versions not stated): gnomAD 0.00001 and 0.00002; TOPMed 0.00002; ESP Exome Variant Server 0.00008; 1000 Genomes Project 30x 0.00016; 1000 Genomes Project 0.00020.
gnomAD v4.1: 12 of 1,606,750 alleles (0.00075%); highest among the groups gnomAD compares: South Asian, 0.0044%; no homozygotes.

Submissions (6):

GeneDx
Classification: Likely pathogenic. Last evaluated: 2026-03-10. Review status: criteria provided, single submitter. Criteria: GeneDx Variant Classification Process June 2021. Collection method: clinical testing. Allele origin: germline.
Comment: Not observed at significant frequency in large population cohorts (gnomAD); In silico analysis supports that this missense variant has a deleterious effect on protein structure/function; This variant is associated with the following publications: (PMID: 32778825, 20036593, 24718418, 19224950)

Labcorp Genetics (formerly Invitae), Labcorp
Classification: Pathogenic for Medium-chain acyl-coenzyme A dehydrogenase deficiency. Last evaluated: 2026-01-09. Review status: criteria provided, single submitter. Criteria: Invitae Variant Classification Sherloc (09022015). Collection method: clinical testing. Allele origin: germline.
Comment: This sequence change replaces arginine, which is basic and polar, with cysteine, which is neutral and slightly polar, at codon 413 of the ACADM protein (p.Arg413Cys). This variant is present in population databases (rs139686925, gnomAD 0.004%). This missense change has been observed in individual(s) with MCAD deficiency (PMID: 20036593; internal data). In at least one individual the data is consistent with being in trans (on the opposite chromosome) from a pathogenic variant. ClinVar contains an entry for this variant (Variation ID: 850051). Invitae Evidence Modeling of protein sequence and biophysical properties (such as structural, functional, and spatial information, amino acid conservation, physicochemical variation, residue mobility, and thermodynamic stability) indicates that this missense variant is expected to disrupt ACADM protein function with a positive predictive value of 80%. This variant disrupts the p.Arg413 amino acid residue in ACADM. Other variant(s) that disrupt this residue have been determined to be pathogenic (PMID: 15832312, 20036593, 24718418). This suggests that this residue is clinically significant, and that variants that disrupt this residue are likely to be disease-causing. For these reasons, this variant has been classified as Pathogenic.

CeGaT Center for Human Genetics Tuebingen
Classification: Likely pathogenic. Last evaluated: 2025-10-01. Review status: criteria provided, single submitter. Criteria: CeGaT Center For Human Genetics Tuebingen Variant Classification Criteria Version 2. Collection method: clinical testing. Allele origin: germline. Affected: yes. Observed: 1 variant allele.
Comment: ACADM: PM2, PM3, PM5, PP4:Moderate

Natera, Inc.
Classification: Likely pathogenic for Medium Chain Acyl-CoA Dehydrogenase Deficiency. Last evaluated: 2025-07-08. Review status: criteria provided, single submitter. Criteria: Natera Variant Classification Schema (03/2026). Collection method: clinical testing. Allele origin: germline.
Comment: The c.1237C>T variant in ACADM is a missense variant predicted to cause substitution of arginine to cysteine at amino acid 413. This variant is rare in the general population with a frequency below the threshold expected for the associated phenotype(s). This variant has been identified in one or more affected individuals with a phenotype highly consistent with the associated gene (PMID: 20036593). A different variant at the same position has been determined to be Pathogenic or Likely Pathogenic. Computational prediction algorithms indicate this variant is likely to affect gene or protein function. Given the available evidence, this variant is classified as Likely Pathogenic.

Fulgent Genetics
Classification: Likely pathogenic for Medium-chain acyl-coenzyme A dehydrogenase deficiency. Last evaluated: 2024-03-23. Review status: criteria provided, single submitter. Criteria: ACMG Guidelines, 2015. Collection method: clinical testing. Allele origin: germline.

Baylor Genetics
Classification: Likely pathogenic for Medium-chain acyl-coenzyme A dehydrogenase deficiency. Last evaluated: 2023-06-05. Review status: criteria provided, single submitter. Criteria: ACMG Guidelines, 2015. Collection method: clinical testing. Allele origin: unknown.

Literature cited by the submitters: PubMed 20036593 (cited by Labcorp Genetics (formerly Invitae), Labcorp and Natera, Inc.); PubMed 15832312 (cited by Labcorp Genetics (formerly Invitae), Labcorp); PubMed 24718418 (cited by Labcorp Genetics (formerly Invitae), Labcorp).

NM_000016.6(ACADM):c.1237C>T (p.Arg413Cys)

Gene: ACADM (acyl-CoA dehydrogenase medium chain; plus strand). Cytogenetic location: 1p31.1.
Variant type: single nucleotide variant.
Coding change: c.1237C>T on transcript NM_000016.6 (MANE Select); coding-DNA position 1237, C replaced by T.
Protein change: p.Arg413Cys; replaces arginine 413 with cysteine.
Molecular consequence: missense variant.
Genome position (GRCh38, 1-based): chr1:75,762,734, C>T. VCF-style: chr1-75762734-C-T. GRCh37 (hg19) VCF-style: chr1-76228419-C-T.
Other names: c.1249C>T, p.Arg417Cys (NM_001127328.3); c.1129C>T, p.Arg377Cys (NM_001286042.2); c.1336C>T, p.Arg446Cys (NM_001286043.2); c.670C>T, p.Arg224Cys (NM_001286044.2); short protein forms R377C, R446C, R224C, R413C, R417C.
Identifiers: ClinVar variation 850051 (VCV000850051.27), dbSNP rs139686925, ClinGen allele CA913316.